The following is an entry in ClinVar:

NM_004247.4(EFTUD2):c.1705C>T (p.Arg569Ter)

Gene: EFTUD2 (elongation factor Tu GTP binding domain containing 2; minus strand). Cytogenetic location: 17q21.31.
Variant type: single nucleotide variant.
Coding change: c.1705C>T on transcript NM_004247.4 (MANE Select); coding-DNA position 1705, C replaced by T.
Protein change: p.Arg569Ter; replaces arginine 569 with a stop codon.
Molecular consequence: nonsense.
Genome position (GRCh38, 1-based): chr17:44,860,446, G>A on the plus strand (C>T on the coding strand, the complement: EFTUD2 is on the minus strand). VCF-style: chr17-44860446-G-A. GRCh37 (hg19) VCF-style: chr17-42937814-G-A.
Other names: c.1600C>T, p.Arg534Ter (NM_001142605.2); c.1705C>T, p.Arg569Ter (NM_001258353.2); c.1675C>T, p.Arg559Ter (NM_001258354.2); short protein forms R534*, R559*, R569*.
Identifiers: ClinVar variation 1703337 (VCV001703337.9), dbSNP rs2508753938, ClinGen allele CA399812209.

ClinVar aggregate classification (germline): Pathogenic. Review status: criteria provided, multiple submitters, no conflicts (2 of 4 stars). 3 submissions from 3 submitters: Pathogenic (3). Last evaluated 2023-04-20.

Conditions:
Mandibulofacial dysostosis-microcephaly syndrome (MFDGA). Also called: Mandibulofacial dysostosis, Guion-Almeida type; Growth and mental retardation, mandibulofacial dysostosis, microcephaly, and cleft palate. Identifiers: Orphanet 79113, MedGen C1864652, MONDO:0012516, OMIM 610536.

Submissions (3):

Duke University Health System Sequencing Clinic, Duke University Health System
Classification: Pathogenic for Mandibulofacial dysostosis-microcephaly syndrome. Last evaluated: 2023-04-20. Review status: criteria provided, single submitter. Criteria: ACMG Guidelines, 2015. Collection method: research. Allele origin: unknown. Affected: yes.

Labcorp Genetics (formerly Invitae), Labcorp
Classification: Pathogenic. Last evaluated: 2022-10-10. Review status: criteria provided, single submitter. Criteria: Invitae Variant Classification Sherloc (09022015). Collection method: clinical testing. Allele origin: germline.
Comment: This sequence change creates a premature translational stop signal (p.Arg569*) in the EFTUD2 gene. It is expected to result in an absent or disrupted protein product. Loss-of-function variants in EFTUD2 are known to be pathogenic (PMID: 24999515, 26507355). This variant is not present in population databases (gnomAD no frequency). This premature translational stop signal has been observed in individual(s) with EFTUD2-related conditions (PMID: 23188108, 32410215). In at least one individual the variant was observed to be de novo. ClinVar contains an entry for this variant (Variation ID: 1703337). For these reasons, this variant has been classified as Pathogenic.

GeneDx
Classification: Pathogenic. Last evaluated: 2022-05-09. Review status: criteria provided, single submitter. Criteria: GeneDx Variant Classification Process June 2021. Collection method: clinical testing. Allele origin: germline. Affected: yes.
Comment: Not observed at significant frequency in large population cohorts (gnomAD); Nonsense variant predicted to result in protein truncation or nonsense-mediated decay in a gene for which loss-of-function is a known mechanism of disease; This variant is associated with the following publications: (PMID: 26507355, 33247512, 32410215, 23188108)

Literature cited by the submitters: PubMed 24999515 (cited by Labcorp Genetics (formerly Invitae), Labcorp); PubMed 26507355 (cited by Labcorp Genetics (formerly Invitae), Labcorp); PubMed 23188108 (cited by Labcorp Genetics (formerly Invitae), Labcorp); PubMed 32410215 (cited by Labcorp Genetics (formerly Invitae), Labcorp).